The following is an entry in ClinVar:

NM_198129.4(LAMA3):c.7921G>A (p.Gly2641Arg)

Gene: LAMA3 (laminin subunit alpha 3; plus strand). Cytogenetic location: 18q11.2.
Variant type: single nucleotide variant.
Coding change: c.7921G>A on transcript NM_198129.4 (MANE Select); coding-DNA position 7921, G replaced by A.
Protein change: p.Gly2641Arg; replaces glycine 2641 with arginine.
Molecular consequence: missense variant.
Genome position (GRCh38, 1-based): chr18:23,916,693, G>A. VCF-style: chr18-23916693-G-A. GRCh37 (hg19) VCF-style: chr18-21496657-G-A.
Other names: c.3094G>A, p.Gly1032Arg (NM_000227.6); c.7753G>A, p.Gly2585Arg (NM_001127717.4); c.2926G>A, p.Gly976Arg (NM_001127718.4); short protein forms G1032R, G2585R, G2641R, G976R.
Identifiers: ClinVar variation 4799729 (VCV004799729.1).
Genomic context (GRCh38, chr18:23,916,693, plus strand): 5'-ACCTTTGGACAGACAATTCAGACCACCGTGGATAGAGGCTTGCTGTTCTTTGCAGAAAAC[G>A]GGGTAATCTATAACAAGCATCCAGATACAACCAAATATATTCATTCTGTTTAGCAATTTG-3'
Protein context (NP_937762.2, residues 2631-2651): DRGLLFFAEN[Gly2641Arg]DRFISLNIED

ClinVar aggregate classification (germline): Uncertain significance (1 of 4 stars; one submission).

Submission:

Labcorp Genetics (formerly Invitae), Labcorp
Classification: Uncertain significance. Last evaluated: 2025-05-29. Review status: criteria provided, single submitter. Criteria: Invitae Variant Classification Sherloc (09022015). Collection method: clinical testing. Allele origin: germline.
Comment: This sequence change replaces glycine, which is neutral and non-polar, with arginine, which is basic and polar, at codon 1032 of the LAMA3 protein (p.Gly1032Arg). This variant is present in population databases (rs774084967, gnomAD 0.006%). This variant has not been reported in the literature in individuals affected with LAMA3-related conditions. An algorithm developed to predict the effect of missense changes on protein structure and function outputs the following: PolyPhen-2: "Benign". The arginine amino acid residue is found in multiple mammalian species, which suggests that this missense change does not adversely affect protein function. In summary, the available evidence is currently insufficient to determine the role of this variant in disease. Therefore, it has been classified as a Variant of Uncertain Significance.